The following is an entry in ClinVar:

NM_000152.5(GAA):c.2646+39G>A

Gene: GAA (alpha glucosidase; plus strand). Cytogenetic location: 17q25.3.
Variant type: single nucleotide variant.
Coding change: c.2646+39G>A on transcript NM_000152.5 (MANE Select); 39 bases into the intron after coding-DNA position 2646, G replaced by A.
Molecular consequence: intron variant.
Genome position (GRCh38, 1-based): chr17:80,118,396, G>A. VCF-style: chr17-80118396-G-A. GRCh37 (hg19) VCF-style: chr17-78092195-G-A.
Other names: c.2646+39G>A (NM_001079803.3, NM_001079804.3, LRG_673t1).
Identifiers: ClinVar variation 495667 (VCV000495667.3), dbSNP rs41292410, ClinGen allele CA8815810.
Genomic context (GRCh38, chr17:80,118,396, plus strand): 5'-GGTCATCTTCCTGGCCAGGAATGTGAGTCCTGGGGCTGCTCAGGCTGGTGGGCAGGGGCC[G>A]GCTCGGGGTTGAGAAGGGGTGAGGGGACCTGGGCTTGGGGGTCCCACGATGGCTACCTGC-3'

ClinVar aggregate classification (germline): Benign/Likely benign. Review status: criteria provided, multiple submitters, no conflicts (2 of 4 stars). 2 submissions from 2 submitters: Benign (1); Likely benign (1). Last evaluated 2026-07-01.

Conditions:
Glycogen storage disease, type II (IOPD). Also called: POMPE DISEASE, INFANTILE-ONSET; GLYCOGEN STORAGE DISEASE II, INFANTILE-ONSET; ACID ALPHA-GLUCOSIDASE DEFICIENCY, INFANTILE-ONSET; GAA DEFICIENCY, INFANTILE-ONSET; ACID MALTASE DEFICIENCY, INFANTILE-ONSET; CARDIOMEGALIA GLYCOGENICA DIFFUSA. Identifiers: Orphanet 365, MedGen C0017921, MONDO:0009290, OMIM 232300.

Allele frequency attached by ClinVar (database versions not stated): 1000 Genomes Project 0.00200; 1000 Genomes Project 30x 0.00250; TOPMed 0.00298; gnomAD exomes 0.00301 and 0.00421; ESP Exome Variant Server 0.00315; gnomAD 0.00334 and 0.00350; ExAC 0.00344.
gnomAD v4.1: 6,338 of 1,555,594 alleles (0.41%); highest among the groups gnomAD compares: Non-Finnish European, 0.49%; 27 homozygotes.

Submissions (2):

Genomenon, Inc
Classification: Likely benign for Glycogen storage disease, type II. Last evaluated: 2026-07-01. Review status: criteria provided, single submitter. Criteria: Genomenon Sequence Variant Interpretation Standards - Updated. Collection method: curation. Allele origin: germline. Affected: no.
Comment: GAA c.2646+39G>A is an intronic variant located in intron 18. This variant has been reported in the published literature (PMID:22644586). This variant is not predicted to impact splicing. This variant’s allele frequency in gnomAD is greater than expected for this disorder. In conclusion, we classify GAA c.2646+39G>A as a likely benign variant.

Women's Health and Genetics/Laboratory Corporation of America, LabCorp
Classification: Benign. Last evaluated: 2019-10-04. Review status: criteria provided, single submitter. Criteria: LabCorp Variant Classification Summary - May 2015. Collection method: clinical testing. Allele origin: germline.
Comment: Variant summary: GAA c.2646+39G>A is located at a position not widely known to affect splicing. 5/5 computational tools predict no significant impact on normal splicing. However, these predictions have yet to be confirmed by functional studies. TThe variant allele was found at a frequency of 0.003 in 202470 control chromosomes (including 2 homozygotes), predominantly at a frequency of 0.0048 within the Non-Finnish European subpopulation in the gnomAD database. The observed variant frequency within Non-Finnish European control individuals in the gnomAD database is approximately 1.14 fold of the estimated maximal expected allele frequency for a pathogenic variant in GAA causing Glycogen Storage Disease, Type 2 (Pompe Disease) phenotype (0.0042), strongly suggesting that the variant is a benign polymorphism found primarily in populations of Non-Finnish European origin. To our knowledge, no occurrence of c.2646+39G>A in individuals affected with Glycogen Storage Disease, Type 2 (Pompe Disease) and no experimental evidence demonstrating its impact on protein function have been reported. No clinical diagnostic laboratories have submitted clinical-significance assessments for this variant to ClinVar after 2014. Based on the evidence outlined above, the variant was classified as benign.

Literature cited by the submitters: PubMed 22644586 (cited by Genomenon, Inc and Women's Health and Genetics/Laboratory Corporation of America, LabCorp).